The following is an entry in ClinVar:

NM_001173464.2(KIF21A):c.3959G>A (p.Arg1320Lys)

Gene: KIF21A (kinesin family member 21A; minus strand). Cytogenetic location: 12q12.
Variant type: single nucleotide variant.
Coding change: c.3959G>A on transcript NM_001173464.2 (MANE Select); coding-DNA position 3959, G replaced by A.
Protein change: p.Arg1320Lys; replaces arginine 1320 with lysine.
Molecular consequence: missense variant. On other transcripts: intron variant (2).
Genome position (GRCh38, 1-based): chr12:39,315,229, C>T on the plus strand (G>A on the coding strand, the complement: KIF21A is on the minus strand). VCF-style: chr12-39315229-C-T. GRCh37 (hg19) VCF-style: chr12-39709031-C-T.
Other names: NC_000012.11:g.39709031C>T; c.3920G>A, p.Arg1307Lys (NM_017641.4); c.3800+2844G>A (NM_001173465.2); c.3848+2844G>A (NM_001173463.2); short protein forms R1307K, R1320K.
Identifiers: ClinVar variation 308555 (VCV000308555.7), dbSNP rs142879430, ClinGen allele CA6510329.

ClinVar aggregate classification (germline): Benign/Likely benign. Review status: criteria provided, multiple submitters, no conflicts (2 of 4 stars). 2 submissions from 2 submitters: Benign (1); Likely benign (1). Last evaluated 2022-02-09.

Conditions:
Congenital fibrosis of extraocular muscles type 1. Also called: CFEOM3B; BLEPHAROPTOSIS WITH ABSENT EYE MOVEMENTS; OPHTHALMOPLEGIA, CONGENITAL; FEOM1 LOCUS. Identifiers: MedGen C1851102, MONDO:0021083, OMIM 135700.

Allele frequency attached by ClinVar (database versions not stated): TOPMed 0.00040; gnomAD 0.00044 and 0.00042; ESP Exome Variant Server 0.00046.
gnomAD v4.1: 889 of 1,611,700 alleles (0.055%); highest among the groups gnomAD compares: Non-Finnish European, 0.072%; 1 homozygote.

Submissions (3):

Fulgent Genetics
Classification: Likely benign for Congenital fibrosis of extraocular muscles type 1. Last evaluated: 2022-02-09. Review status: criteria provided, single submitter. Criteria: ACMG Guidelines, 2015. Collection method: clinical testing. Allele origin: unknown.

Illumina Laboratory Services, Illumina
Classification: Benign for Congenital fibrosis of extraocular muscles type 1. Last evaluated: 2018-01-12. Review status: criteria provided, single submitter. Criteria: ICSL Variant Classification Criteria 13 December 2019. Collection method: clinical testing. Allele origin: germline.
Comment: This variant was observed in the ICSL laboratory as part of a predisposition screen in an ostensibly healthy population. It had not been previously curated by ICSL or reported in the Human Gene Mutation Database (HGMD: prior to June 1st, 2018), and was therefore a candidate for classification through an automated scoring system. Utilizing variant allele frequency, disease prevalence and penetrance estimates, and inheritance mode, an automated score was calculated to assess if this variant is too frequent to cause the disease. Based on the score and internal cut-off values, a variant classified as benign is not then subjected to further curation. The score for this variant resulted in a classification of benign for this disease.

Dr. Peter K. Rogan Lab, Western University
No classification provided (evidence only). Condition: Hepatocellular carcinoma. Review status: no classification provided. Collection method: in vitro. Allele origin: not applicable. Functional consequence: retained intron. Not counted in ClinVar's aggregate classification.